The following is an entry in ClinVar:

NM_001127178.3(PIGG):c.2122G>A (p.Val708Ile)

Gene: PIGG (phosphatidylinositol glycan anchor biosynthesis class G (EMM blood group); plus strand). Cytogenetic location: 4p16.3.
Variant type: single nucleotide variant.
Coding change: c.2122G>A on transcript NM_001127178.3 (MANE Select); coding-DNA position 2122, G replaced by A.
Protein change: p.Val708Ile; replaces valine 708 with isoleucine.
Molecular consequence: missense variant. On other transcripts: non-coding transcript variant (10).
Genome position (GRCh38, 1-based): chr4:527,091, G>A. VCF-style: chr4-527091-G-A. GRCh37 (hg19) VCF-style: chr4-520880-G-A.
Other names: c.1855G>A, p.Val619Ile (NM_001289051.2, NM_001345986.2); c.1723G>A, p.Val575Ile (NM_001289052.2); c.1831G>A, p.Val611Ile (NM_001345987.2); c.1093G>A, p.Val365Ile (NM_001345988.2); c.589G>A, p.Val197Ile (NM_001345990.2, NM_001345991.2); c.1024G>A, p.Val342Ile (NM_001345994.2); c.2098G>A, p.Val700Ile (NM_017733.5); short protein forms V197I, V575I, V342I, V365I, V611I, V619I, V700I, V708I.
Identifiers: ClinVar variation 1354202 (VCV001354202.8), dbSNP rs1727843012, ClinGen allele CA355908537.
Genomic context (GRCh38, chr4:527,091, plus strand): 5'-CATTTCAGCTCTGACCACAAAGCCGAGCTCTCTGTCCTGGCTGCCCTCTCCCTCCTCGTA[G>A]TTTTTGTGCTGGTGCAGAGGGGGTGCTCCCCTGTGTCCAAGGCTGCCCTGGCGCTGGGGC-3'
Protein context (NP_001120650.1, residues 698-718): SVLAALSLLV[Val708Ile]FVLVQRGCSP

ClinVar aggregate classification (germline): Uncertain significance (1 of 4 stars; one submission).

Conditions:
Intellectual disability, autosomal recessive 53 (NEDHSCA). Also called: NEURODEVELOPMENTAL DISORDER WITH OR WITHOUT HYPOTONIA, SEIZURES, AND CEREBELLAR ATROPHY; GLYCOSYLPHOSPHATIDYLINOSITOL BIOSYNTHESIS DEFECT 13; Mental retardation, autosomal recessive 53. Identifiers: Orphanet 488635, MedGen C4310794, MONDO:0014832, OMIM 616917.

Allele frequency attached by ClinVar (database versions not stated): gnomAD 0.00001.
gnomAD v4.1: 1 of 1,613,968 alleles (0.000062%); highest among the groups gnomAD compares: Non-Finnish European, 0.000085%; no homozygotes.

Submission:

Labcorp Genetics (formerly Invitae), Labcorp
Classification: Uncertain significance for Intellectual disability, autosomal recessive 53. Last evaluated: 2021-03-26. Review status: criteria provided, single submitter. Criteria: Invitae Variant Classification Sherloc (09022015). Collection method: clinical testing. Allele origin: germline.
Comment: This sequence change replaces valine with isoleucine at codon 708 of the PIGG protein (p.Val708Ile). The valine residue is weakly conserved and there is a small physicochemical difference between valine and isoleucine. This variant is not present in population databases (ExAC no frequency). This variant has not been reported in the literature in individuals with PIGG-related conditions. Algorithms developed to predict the effect of missense changes on protein structure and function output the following: SIFT: "Tolerated"; PolyPhen-2: "Benign"; Align-GVGD: "Class C0". The isoleucine amino acid residue is found in multiple mammalian species, suggesting that this missense change does not adversely affect protein function. These predictions have not been confirmed by published functional studies and their clinical significance is uncertain. In summary, the available evidence is currently insufficient to determine the role of this variant in disease. Therefore, it has been classified as a Variant of Uncertain Significance.